The following is an entry in ClinVar:

ClinVar aggregate classification (germline): other (0 of 4 stars; one submission).

Conditions:
Familial colorectal cancer. Identifiers: MedGen CN280943, MONDO:0023113. Disease mechanism: loss of function.

Allele frequency attached by ClinVar (database versions not stated): 1000 Genomes Project 30x 0.00016; gnomAD 0.00018 and 0.00022; 1000 Genomes Project 0.00020; TOPMed 0.00029.

Submission:

Systems Biology Platform Zhejiang California International NanoSystems Institute
Classification: other for Familial colorectal cancer. Review status: no assertion criteria provided. Collection method: not provided. Allele origin: unknown.
ClinVar note: Converted during submission from cancer to other.

NM_000038.6(APC):c.729+4308A>T

Gene: APC (APC regulator of WNT signaling pathway; plus strand). Cytogenetic location: 5q22.2.
Variant type: single nucleotide variant.
Coding change: c.729+4308A>T on transcript NM_000038.6 (MANE Select); 4308 bases into the intron after coding-DNA position 729, A replaced by T.
Molecular consequence: intron variant.
Genome position (GRCh38, 1-based): chr5:112,796,837, A>T. VCF-style: chr5-112796837-A-T. GRCh37 (hg19) VCF-style: chr5-112132534-A-T.
Other names: c.729+4308A>T (NM_001354895.2, NM_001127510.3, NM_001354896.2 and 1 more transcripts); c.759+4308A>T (NM_001354897.2, NM_001354902.2); c.676-4442A>T (NM_001127511.3); c.654+4308A>T (NM_001354898.2, NM_001354904.2); c.-307+4308A>T (NM_001354906.2); c.646-4442A>T (NM_001354899.2); c.552+4308A>T (NM_001354900.2, NM_001354901.2, NM_001354905.2).
Identifiers: ClinVar variation 83020 (VCV000083020.2), dbSNP rs78704421, ClinGen allele CA013223.